The following is an entry in ClinVar:

ClinVar aggregate classification (germline): Pathogenic (1 of 4 stars; one submission).

Submission:

Labcorp Genetics (formerly Invitae), Labcorp
Classification: Pathogenic. Last evaluated: 2022-03-10. Review status: criteria provided, single submitter. Criteria: Invitae Variant Classification Sherloc (09022015). Collection method: clinical testing. Allele origin: germline.
Comment: For these reasons, this variant has been classified as Pathogenic. This variant has not been reported in the literature in individuals affected with ABCB4-related conditions. This variant is a gross deletion of the genomic region encompassing exon(s) 9-12 of the ABCB4 gene. This deletion is out-of-frame, and is expected to create a premature termination codon and result in an absent or disrupted protein product. Loss-of-function variants in ABCB4 are known to be pathogenic (PMID: 17726488, 25755532).

Literature cited by the submitters: PubMed 17726488; PubMed 25755532.

NC_000007.13:g.(?_87072615)_(87076541_?)del

Gene: ABCB4 (ATP binding cassette subfamily B member 4; minus strand). Cytogenetic location: 7q21.12.
Variant type: Deletion.
Identifiers: ClinVar variation 1458242 (VCV001458242.5).